The following is an entry in ClinVar:

ClinVar aggregate classification (germline): Benign/Likely benign. Review status: criteria provided, multiple submitters, no conflicts (2 of 4 stars). 9 submissions from 9 submitters: Benign (4); Likely benign (5). Last evaluated 2026-01-26.

Conditions:
Inborn genetic diseases. Identifiers: MedGen C0950123, MeSH D030342.
Progressive myoclonic epilepsy. Also called: Myoclonic Epilepsies, Progressive; Myoclonus epilepsy; Progressive myoclonus epilepsy; Familial progressive myoclonic epilepsy. Identifiers: Orphanet 308, Orphanet 98261, MedGen C0751778, MONDO:0020074.
Unverricht-Lundborg syndrome. Also called: Unverricht-Lundborg Disease; EPILEPSY, PROGRESSIVE MYOCLONIC, 1A; Myoclonic epilepsy of unverricht and lundborg; Progressive myoclonus epilepsy baltic myoclonic epilepsy; Myoclonus progressive epilepsy of Unverricht and Lundborg; Epilepsy, progressive myoclonic 1A (Unverricht and Lundborg). Identifiers: Orphanet 308, MedGen C0751785, MONDO:0009698, OMIM 254800.

Allele frequency attached by ClinVar (database versions not stated): gnomAD exomes 0.00045 and 0.00111; ExAC 0.00134; ESP Exome Variant Server 0.00408; gnomAD 0.00445 and 0.00473; TOPMed 0.00462; 1000 Genomes Project 0.00619; 1000 Genomes Project 30x 0.00734.
gnomAD v4.1: 1,344 of 1,610,974 alleles (0.083%); highest among the groups gnomAD compares: African/African-American, 1.5%; 6 homozygotes.

Submissions (9):

Labcorp Genetics (formerly Invitae), Labcorp
Classification: Benign for Progressive myoclonic epilepsy. Last evaluated: 2026-01-26. Review status: criteria provided, single submitter. Criteria: Invitae Variant Classification Sherloc (09022015). Collection method: clinical testing. Allele origin: germline.

Blueprint Genetics
Classification: Likely benign. Last evaluated: 2024-11-01. Review status: criteria provided, single submitter. Criteria: ACMG Guidelines, 2015. Collection method: clinical testing. Allele origin: germline.

Mayo Clinic Laboratories, Mayo Clinic
Classification: Benign. Last evaluated: 2019-02-26. Review status: criteria provided, single submitter. Criteria: ACMG Guidelines, 2015. Collection method: clinical testing. Allele origin: germline. Observed: 6 variant alleles.

Ambry Genetics
Classification: Likely benign for Inborn genetic diseases. Last evaluated: 2018-12-04. Review status: criteria provided, single submitter. Criteria: Ambry Variant Classification Scheme 2023. Collection method: clinical testing. Allele origin: germline.

Illumina Laboratory Services, Illumina
Classification: Likely benign for Unverricht-Lundborg syndrome. Last evaluated: 2018-01-12. Review status: criteria provided, single submitter. Criteria: ICSL Variant Classification Criteria 13 December 2019. Collection method: clinical testing. Allele origin: germline.
Comment: This variant was observed in the ICSL laboratory as part of a predisposition screen in an ostensibly healthy population. It had not been previously curated by ICSL or reported in the Human Gene Mutation Database (HGMD: prior to June 1st, 2018), and was therefore a candidate for classification through an automated scoring system. Utilizing variant allele frequency, disease prevalence and penetrance estimates, and inheritance mode, an automated score was calculated to assess if this variant is too frequent to cause the disease. Based on the score and internal cut-off values, a variant classified as likely benign is not then subjected to further curation. The score for this variant resulted in a classification of likely benign for this disease.

Genomic Diagnostic Laboratory, Division of Genomic Diagnostics, Children's Hospital of Philadelphia
Classification: Likely benign. Last evaluated: 2015-04-14. Review status: criteria provided, single submitter. Criteria: DGD Variant Analysis Guidelines. Collection method: clinical testing. Allele origin: unknown.

GeneDx
Classification: Benign. Last evaluated: 2013-11-21. Review status: criteria provided, single submitter. Criteria: GeneDx Variant Classification (06012015). Collection method: clinical testing. Allele origin: germline. Affected: yes.
Comment: This variant is considered likely benign or benign based on one or more of the following criteria: it is a conservative change, it occurs at a poorly conserved position in the protein, it is predicted to be benign by multiple in silico algorithms, and/or has population frequency not consistent with disease.

Breakthrough Genomics
Classification: Likely benign. Review status: criteria provided, single submitter. Criteria: ACMG Guidelines, 2015. Collection method: not provided. Allele origin: germline. Inheritance: Autosomal recessive inheritance. Affected: yes.

PreventionGenetics, part of Exact Sciences
Classification: Benign. Review status: criteria provided, single submitter. Criteria: ACMG Guidelines, 2015. Collection method: clinical testing. Allele origin: germline.

NM_000100.4(CSTB):c.67-3T>C

Gene: CSTB (cystatin B; minus strand). Cytogenetic location: 21q22.3.
Variant type: single nucleotide variant.
Coding change: c.67-3T>C on transcript NM_000100.4 (MANE Select); 3 bases into the intron before coding-DNA position 67, T replaced by C.
Molecular consequence: intron variant.
Genome position (GRCh38, 1-based): chr21:43,774,762, A>G on the plus strand (T>C on the coding strand, the complement: CSTB is on the minus strand). VCF-style: chr21-43774762-A-G. GRCh37 (hg19) VCF-style: chr21-45194643-A-G.
Other names: p.?.
Identifiers: ClinVar variation 137037 (VCV000137037.59), dbSNP rs6383, ClinGen allele CA290524.